The following is an entry in ClinVar:

NM_007255.3(B4GALT7):c.*2C>T

Gene: B4GALT7 (beta-1,4-galactosyltransferase 7; plus strand). Cytogenetic location: 5q35.3.
Variant type: single nucleotide variant.
Coding change: c.*2C>T on transcript NM_007255.3 (MANE Select); 2 bases downstream of the stop codon, C replaced by T.
Molecular consequence: 3 prime UTR variant.
Genome position (GRCh38, 1-based): chr5:177,609,697, C>T. VCF-style: chr5-177609697-C-T. GRCh37 (hg19) VCF-style: chr5-177036698-C-T.
Identifiers: ClinVar variation 4687575 (VCV004687575.1).

ClinVar aggregate classification (germline): Uncertain significance (1 of 4 stars; one submission).

gnomAD v4.1: 1 of 1,604,986 alleles (0.000062%); highest among the groups gnomAD compares: Admixed American, 0.0017%; no homozygotes.

Submission:

Women's Health and Genetics/Laboratory Corporation of America, LabCorp
Classification: Uncertain significance. Last evaluated: 2025-10-06. Review status: criteria provided, single submitter. Criteria: LabCorp Variant Classification Summary - May 2015. Collection method: clinical testing. Allele origin: germline.
Comment: Variant summary: B4GALT7 c.*2C>T is located in the untranslated mRNA region downstream of the termination codon. The variant was absent in 227808 control chromosomes. The available data on variant occurrences in the general population are insufficient to allow any conclusion about variant significance. To our knowledge, no occurrence of c.*2C>T in individuals affected with B4GALT7-related conditions and no experimental evidence demonstrating its impact on protein function have been reported. No submitters have cited clinical-significance assessments for this variant to ClinVar. Based on the evidence outlined above, the variant was classified as uncertain significance.